The following is an entry in ClinVar:

ClinVar aggregate classification (germline): Likely benign. Review status: criteria provided, multiple submitters, no conflicts (2 of 4 stars). 6 submissions from 6 submitters: Likely benign (4). 2 of the submissions do not count toward it. Last evaluated 2025-12-31.

Conditions:
Cardiovascular phenotype. Identifiers: MedGen CN230736.
Myofibrillar myopathy 6. Identifiers: Orphanet 199340, MedGen C2751831, MONDO:0013061, OMIM 612954.
Dilated cardiomyopathy 1HH (CMD1HH). Identifiers: Orphanet 154, MedGen C3151293, MONDO:0013479, OMIM 613881.

Allele frequency attached by ClinVar (database versions not stated): gnomAD 0.00001; gnomAD exomes 0.00002 and 0.00005; TOPMed 0.00002; ExAC 0.00007.
gnomAD v4.1: 32 of 1,613,966 alleles (0.002%); highest among the groups gnomAD compares: Non-Finnish European, 0.0023%; no homozygotes.

Submissions (6):

Labcorp Genetics (formerly Invitae), Labcorp
Classification: Likely benign for Dilated cardiomyopathy 1HH; Myofibrillar myopathy 6. Last evaluated: 2025-12-31. Review status: criteria provided, single submitter. Criteria: Invitae Variant Classification Sherloc (09022015). Collection method: clinical testing. Allele origin: germline.

Mayo Clinic Laboratories, Mayo Clinic
Classification: Likely benign. Last evaluated: 2025-07-29. Review status: criteria provided, single submitter. Criteria: ACMG Guidelines, 2015. Collection method: clinical testing. Allele origin: germline. Observed: 1 variant allele.
Comment: BP4, BP7

Blueprint Genetics
Classification: Likely benign. Last evaluated: 2024-10-07. Review status: criteria provided, single submitter. Criteria: ACMG Guidelines, 2015. Collection method: clinical testing. Allele origin: germline.

Ambry Genetics
Classification: Likely benign for Cardiovascular phenotype. Last evaluated: 2022-04-18. Review status: criteria provided, single submitter. Criteria: Ambry Variant Classification Scheme 2023. Collection method: clinical testing. Allele origin: germline.

Diagnostic Laboratory, Department of Genetics, University Medical Center Groningen
Classification: Likely benign. Review status: no assertion criteria provided. Collection method: clinical testing. Allele origin: germline. Affected: yes. Study: VKGL Data-share Consensus. Not counted in ClinVar's aggregate classification.

Genome Diagnostics Laboratory, University Medical Center Utrecht
Classification: Likely benign. Review status: no assertion criteria provided. Collection method: clinical testing. Allele origin: germline. Affected: yes. Study: VKGL Data-share Consensus. Not counted in ClinVar's aggregate classification.

Literature cited by the submitters: PubMed 36382946 (cited by Mayo Clinic Laboratories, Mayo Clinic).

NM_004281.4(BAG3):c.828G>A (p.Arg276=)

Gene: BAG3 (BAG cochaperone 3; plus strand). Cytogenetic location: 10q26.11.
Variant type: single nucleotide variant.
Coding change: c.828G>A on transcript NM_004281.4 (MANE Select); coding-DNA position 828, G replaced by A.
Protein change: p.Arg276=; no amino-acid change (arginine 276 retained).
Molecular consequence: synonymous variant.
Genome position (GRCh38, 1-based): chr10:119,672,575, G>A. VCF-style: chr10-119672575-G-A. GRCh37 (hg19) VCF-style: chr10-121432087-G-A.
Other names: p.Arg276=.
Identifiers: ClinVar variation 701043 (VCV000701043.18), dbSNP rs752538980, ClinGen allele CA5716419.